The following is an entry in ClinVar:

ClinVar aggregate classification (germline): Benign (1 of 4 stars; one submission).

Submission:

ISCA site 4
Classification: Benign. Last evaluated: 2011-08-12. Review status: criteria provided, single submitter. Criteria: Kaminsky et al. (Genet Med. 2011). Collection method: clinical testing. Allele origin: unknown. Affected: yes. Observed: 21 variant alleles. Clinical features observed: Developmental delay AND/OR other significant developmental or morphological phenotypes, Hyperbilirubinemia (HP:0002904), Cyanosis (HP:0000961), Global developmental delay (HP:0001263), Autism (HP:0000717), Cleft palate (HP:0000175), Macrocephaly (HP:0000256), Respiratory distress (HP:0002098), Secundum atrial septal defect (HP:0001684), Delayed speech and language development (HP:0002116), Seizure (HP:0001250).
Comment: Copy number variation identified through the course of routine clinical cytogenomic testing in postnatal populations. Clinical assertions have been curated as described in Kaminsky et al. 2011.

GRCh38/hg38 6p25.3(chr6:259528-339802)x1

Genes: DUSP22 (dual specificity phosphatase 22; plus strand), LOC126859546 (BRD4-independent group 4 enhancer GRCh37_chr6:329543-330742; plus strand), LOC129995536 (ATAC-STARR-seq lymphoblastoid active region 23815; plus strand), LOC129995537 (ATAC-STARR-seq lymphoblastoid active region 23816; plus strand), LOC129995538 (ATAC-STARR-seq lymphoblastoid active region 23818; plus strand) and 17 more. Cytogenetic location: 6p25.3.
Variant type: copy number loss.
Change: copy number 1 (one copy instead of two) of chr6:259,528-339,802 (80.3 kb, GRCh38 coordinates, 1-based), cytogenetic band 6p25.3.
Identifiers: ClinVar variation 160992 (VCV000160992.1).